The following is an entry in ClinVar:

ClinVar aggregate classification (germline): Uncertain significance. Review status: criteria provided, multiple submitters, no conflicts (2 of 4 stars). 4 submissions from 4 submitters: Uncertain significance (4). Last evaluated 2025-09-08.

Conditions:
Inborn genetic diseases. Identifiers: MedGen C0950123, MeSH D030342.
Wilson disease (WND). Also called: Wilson's disease. Identifiers: Orphanet 905, MedGen C0019202, MONDO:0010200, OMIM 277900. Disease mechanism: loss of function.

Allele frequency attached by ClinVar (database versions not stated): gnomAD exomes below 0.00001; gnomAD 0.00001; TOPMed 0.00001.
gnomAD v4.1: 2 of 1,613,490 alleles (0.00012%); highest among the groups gnomAD compares: African/African-American, 0.0027%; no homozygotes.

Submissions (4):

Color Diagnostics, LLC DBA Color Health
Classification: Uncertain significance for Wilson disease. Last evaluated: 2025-09-08. Review status: criteria provided, single submitter. Criteria: ACMG Guidelines, 2015. Collection method: clinical testing. Allele origin: germline.
Comment: This missense variant replaces histidine with arginine at codon 200 of the ATP7B protein. Computational prediction suggests that this variant may not impact protein structure and function. To our knowledge, functional studies have not been reported for this variant. This variant has not been reported in individuals affected with ATP7B-related disorders in the literature. This variant has not been identified in the general population by the Genome Aggregation Database (gnomAD). The available evidence is insufficient to determine the role of this variant in disease conclusively. Therefore, this variant is classified as a Variant of Uncertain Significance.

Ambry Genetics
Classification: Uncertain significance for Inborn genetic diseases. Last evaluated: 2024-11-25. Review status: criteria provided, single submitter. Criteria: Ambry Variant Classification Scheme 2023. Collection method: clinical testing. Allele origin: germline.

Fulgent Genetics
Classification: Uncertain significance for Wilson disease. Last evaluated: 2024-03-24. Review status: criteria provided, single submitter. Criteria: ACMG Guidelines, 2015. Collection method: clinical testing. Allele origin: germline.

Labcorp Genetics (formerly Invitae), Labcorp
Classification: Uncertain significance for Wilson disease. Last evaluated: 2022-07-23. Review status: criteria provided, single submitter. Criteria: Invitae Variant Classification Sherloc (09022015). Collection method: clinical testing. Allele origin: germline.
Comment: This sequence change replaces histidine, which is basic and polar, with arginine, which is basic and polar, at codon 200 of the ATP7B protein (p.His200Arg). This variant is not present in population databases (gnomAD no frequency). This variant has not been reported in the literature in individuals affected with ATP7B-related conditions. Advanced modeling of protein sequence and biophysical properties (such as structural, functional, and spatial information, amino acid conservation, physicochemical variation, residue mobility, and thermodynamic stability) performed at Invitae indicates that this missense variant is not expected to disrupt ATP7B protein function. In summary, the available evidence is currently insufficient to determine the role of this variant in disease. Therefore, it has been classified as a Variant of Uncertain Significance.

NM_000053.4(ATP7B):c.599A>G (p.His200Arg)

Gene: ATP7B (ATPase copper transporting beta; minus strand). Cytogenetic location: 13q14.3.
Variant type: single nucleotide variant.
Coding change: c.599A>G on transcript NM_000053.4 (MANE Select); coding-DNA position 599, A replaced by G.
Protein change: p.His200Arg; replaces histidine 200 with arginine.
Molecular consequence: missense variant.
Genome position (GRCh38, 1-based): chr13:51,974,621, T>C on the plus strand (A>G on the coding strand, the complement: ATP7B is on the minus strand). VCF-style: chr13-51974621-T-C. GRCh37 (hg19) VCF-style: chr13-52548757-T-C.
Other names: c.599A>G (NM_000053.3); c.599A>G, p.His200Arg (NM_001005918.3, NM_001243182.2, NM_001330578.2 and 30 more transcripts); c.503A>G, p.His168Arg (NM_001406517.1, NM_001406518.1, NM_001406530.1 and 4 more transcripts); short protein forms H168R, H200R.
Identifiers: ClinVar variation 2133993 (VCV002133993.4), dbSNP rs975678311, ClinGen allele CA250067372.